The following is an entry in ClinVar:

ClinVar aggregate classification (germline): Uncertain significance. Review status: criteria provided, multiple submitters, no conflicts (2 of 4 stars). 2 submissions from 2 submitters: Uncertain significance (2). Last evaluated 2021-08-27.

Conditions:
Neuromuscular disease caused by qualitative or quantitative defects of dysferlin. Also called: Qualitative or quantitative defects of dysferlin; Dysferlinopathy. Identifiers: Orphanet 207073, MedGen C2931687, MONDO:0016145.

Allele frequency attached by ClinVar (database versions not stated): gnomAD exomes below 0.00001 and 0.00001.
gnomAD v4.1: 9 of 1,614,140 alleles (0.00056%); highest among the groups gnomAD compares: Non-Finnish European, 0.00076%; no homozygotes.

Submissions (2):

Labcorp Genetics (formerly Invitae), Labcorp
Classification: Uncertain significance for Neuromuscular disease caused by qualitative or quantitative defects of dysferlin. Last evaluated: 2021-08-27. Review status: criteria provided, single submitter. Criteria: Invitae Variant Classification Sherloc (09022015). Collection method: clinical testing. Allele origin: germline.
Comment: This sequence change replaces phenylalanine with leucine at codon 1674 of the DYSF protein (p.Phe1674Leu). The phenylalanine residue is moderately conserved and there is a small physicochemical difference between phenylalanine and leucine. This variant is not present in population databases (ExAC no frequency). This variant has not been reported in the literature in individuals affected with DYSF-related conditions. ClinVar contains an entry for this variant (Variation ID: 595475). Algorithms developed to predict the effect of missense changes on protein structure and function (SIFT, PolyPhen-2, Align-GVGD) all suggest that this variant is likely to be tolerated. In summary, the available evidence is currently insufficient to determine the role of this variant in disease. Therefore, it has been classified as a Variant of Uncertain Significance.

Eurofins Ntd Llc (ga)
Classification: Uncertain significance. Last evaluated: 2017-12-22. Review status: criteria provided, single submitter. Criteria: EGL Classification Definitions 2015. Collection method: clinical testing. Allele origin: germline. Observed: 1 variant allele, 1 heterozygote.

NM_001130987.2(DYSF):c.5139T>G (p.Phe1713Leu)

Gene: DYSF (dysferlin; plus strand). Cytogenetic location: 2p13.2.
Variant type: single nucleotide variant.
Coding change: c.5139T>G on transcript NM_001130987.2 (MANE Select); coding-DNA position 5139, T replaced by G.
Protein change: p.Phe1713Leu; replaces phenylalanine 1713 with leucine.
Molecular consequence: missense variant.
Genome position (GRCh38, 1-based): chr2:71,664,403, T>G. VCF-style: chr2-71664403-T-G. GRCh37 (hg19) VCF-style: chr2-71891533-T-G.
Other names: c.5025T>G, p.Phe1675Leu (NM_001130455.2); c.4980T>G, p.Phe1660Leu (NM_001130976.2); c.5043T>G, p.Phe1681Leu (NM_001130977.2); c.5085T>G, p.Phe1695Leu (NM_001130978.2); c.5115T>G, p.Phe1705Leu (NM_001130979.2); c.5073T>G, p.Phe1691Leu (NM_001130980.2); c.5136T>G, p.Phe1712Leu (NM_001130981.2); c.5118T>G, p.Phe1706Leu (NM_001130982.2); and 5 more; short protein forms F1674L, F1713L, F1660L, F1681L, F1696L, F1705L, F1675L, F1682L.
Identifiers: ClinVar variation 595475 (VCV000595475.10), dbSNP rs1305077427, ClinGen allele CA347220572.